The following is an entry in ClinVar:

ClinVar aggregate classification (germline): Uncertain significance (1 of 4 stars; one submission).

Submission:

Greenwood Genetic Center Diagnostic Laboratories, Greenwood Genetic Center
Classification: Uncertain significance. Last evaluated: 2026-06-23. Review status: criteria provided, single submitter. Criteria: ACMG Guidelines, 2015. Collection method: clinical testing. Allele origin: germline.
Comment: Gene of Uncertain Significance

NM_001277115.2(DNAH11):c.5941G>A (p.Glu1981Lys)

Gene: DNAH11 (dynein axonemal heavy chain 11; plus strand). Cytogenetic location: 7p15.3.
Variant type: single nucleotide variant.
Coding change: c.5941G>A on transcript NM_001277115.2 (MANE Select); coding-DNA position 5941, G replaced by A.
Protein change: p.Glu1981Lys; replaces glutamic acid 1981 with lysine.
Molecular consequence: missense variant.
Genome position (GRCh38, 1-based): chr7:21,690,781, G>A. VCF-style: chr7-21690781-G-A. GRCh37 (hg19) VCF-style: chr7-21730399-G-A.
Other names: short protein forms E1981K.
Identifiers: ClinVar variation 4891170 (VCV004891170.1).